The following is an entry in ClinVar:

ClinVar aggregate classification (germline): Uncertain significance (1 of 4 stars; one submission).

Conditions:
Giant axonal neuropathy 1 (GAN1). Also called: GAN-Related Neurodegeneration; GIANT AXONAL NEUROPATHY 1, AUTOSOMAL RECESSIVE. Identifiers: Orphanet 643, MedGen C1850386, MONDO:0009749, OMIM 256850.

Allele frequency attached by ClinVar (database versions not stated): gnomAD exomes below 0.00001.
gnomAD v4.1: 1 of 1,614,196 alleles (0.000062%); highest among the groups gnomAD compares: Non-Finnish European, 0.000085%; no homozygotes.

Submission:

Labcorp Genetics (formerly Invitae), Labcorp
Classification: Uncertain significance for Giant axonal neuropathy 1. Last evaluated: 2023-10-09. Review status: criteria provided, single submitter. Criteria: Invitae Variant Classification Sherloc (09022015). Collection method: clinical testing. Allele origin: germline.
Comment: This sequence change replaces threonine, which is neutral and polar, with alanine, which is neutral and non-polar, at codon 551 of the GAN protein (p.Thr551Ala). This variant is not present in population databases (gnomAD no frequency). This variant has not been reported in the literature in individuals affected with GAN-related conditions. ClinVar contains an entry for this variant (Variation ID: 2008652). An algorithm developed to predict the effect of missense changes on protein structure and function (PolyPhen-2) suggests that this variant is likely to be tolerated. In summary, the available evidence is currently insufficient to determine the role of this variant in disease. Therefore, it has been classified as a Variant of Uncertain Significance.

NM_022041.4(GAN):c.1651A>G (p.Thr551Ala)

Gene: GAN (gigaxonin; plus strand). Cytogenetic location: 16q23.2.
Variant type: single nucleotide variant.
Coding change: c.1651A>G on transcript NM_022041.4 (MANE Select); coding-DNA position 1651, A replaced by G.
Protein change: p.Thr551Ala; replaces threonine 551 with alanine.
Molecular consequence: missense variant.
Genome position (GRCh38, 1-based): chr16:81,377,453, A>G. VCF-style: chr16-81377453-A-G. GRCh37 (hg19) VCF-style: chr16-81411058-A-G.
Other names: c.1012A>G, p.Thr338Ala (NM_001377486.1); short protein forms T338A, T551A.
Identifiers: ClinVar variation 2008652 (VCV002008652.4), dbSNP rs1337970328, ClinGen allele CA396892340.